The following is an entry in ClinVar:

ClinVar aggregate classification (germline): Conflicting classifications of pathogenicity. Review status: criteria provided, conflicting classifications (1 of 4 stars). 8 submissions from 8 submitters: Pathogenic (1); Likely pathogenic (6); Uncertain significance (1). Last evaluated 2024-04-09.

Conditions:
COQ4-related disorder. Also called: COQ4-related condition.
Inborn genetic diseases. Identifiers: MedGen C0950123, MeSH D030342.
Hereditary spastic paraplegia. Also called: Familial spastic paraparesis. Identifiers: Orphanet 685, MedGen C0037773, MONDO:0019064. Disease mechanism: loss of function.
Neonatal encephalomyopathy-cardiomyopathy-respiratory distress syndrome. Also called: Coenzyme Q10 deficiency, primary, 7. Identifiers: Orphanet 457185, MedGen C5568562, MONDO:0014562, OMIM 616276.
Spastic ataxia 10, autosomal recessive (SPAX10). Identifiers: MedGen C5882738, MONDO:0958009, OMIM 620666.

Allele frequency attached by ClinVar (database versions not stated): gnomAD exomes below 0.00001; gnomAD 0.00001; TOPMed 0.00002.
gnomAD v4.1: 4 of 1,612,320 alleles (0.00025%); highest among the groups gnomAD compares: Non-Finnish European, 0.00025%; no homozygotes.

Submissions (8):

Fulgent Genetics
Classification: Likely pathogenic for Neonatal encephalomyopathy-cardiomyopathy-respiratory distress syndrome; Spastic ataxia 10, autosomal recessive. Last evaluated: 2024-04-09. Review status: criteria provided, single submitter. Criteria: ACMG Guidelines, 2015. Collection method: clinical testing. Allele origin: germline.

3billion
Classification: Likely pathogenic for Neonatal encephalomyopathy-cardiomyopathy-respiratory distress syndrome. Last evaluated: 2023-08-23. Review status: criteria provided, single submitter. Criteria: ACMG Guidelines, 2015. Collection method: clinical testing. Allele origin: germline. Affected: yes.
Comment: The variant is not observed in the gnomAD v2.1.1 dataset. Predicted Consequence/Location: Missense variant In silico tool predictions suggest damaging effect of the variant on gene or gene product [3Cnet: 0.70 (>=0.6, sensitivity 0.72 and precision 0.9)]. Same nucleotide change resulting in same amino acid change has been previously reported as pathogenic/likely pathogenic with strong evidence (ClinVar ID: VCV000488488). Therefore, this variant is classified as Likely pathogenic according to the recommendation of ACMG/AMP guideline.

GeneDx
Classification: Likely pathogenic. Last evaluated: 2021-06-10. Review status: criteria provided, single submitter. Criteria: GeneDx Variant Classification Process June 2021. Collection method: clinical testing. Allele origin: germline. Affected: yes.
Comment: Not observed in large population cohorts (Lek et al., 2016); In silico analysis supports that this missense variant has a deleterious effect on protein structure/function; This variant is associated with the following publications: (PMID: 27535533, 26795593, 16116126, 21844807, 28540186, 27513193, 29388939, 17332895, 17485248, 18474229, 18579827, 21540551, 22368301, 24270420, 25126048, 25658047, 26185144)

Institute of Medical Genetics and Applied Genomics, University Hospital Tübingen
Classification: Likely pathogenic. Last evaluated: 2020-10-23. Review status: criteria provided, single submitter. Criteria: ACMG Guidelines, 2015. Collection method: clinical testing. Allele origin: germline. Inheritance: Autosomal recessive inheritance. Affected: yes.

Cambridge Genomics Laboratory, East Genomic Laboratory Hub, NHS Genomic Medicine Service
Classification: Uncertain significance for Hereditary spastic paraplegia. Last evaluated: 2020-03-14. Review status: criteria provided, single submitter. Criteria: ACGS Best Practice Guidelines for Variant Classification in Rare Disease 2020. Collection method: clinical testing. Allele origin: germline. Affected: yes. Observed: 1 variant allele.

Blueprint Genetics
Classification: Likely pathogenic for COQ4-related disorders. Last evaluated: 2020-01-31. Review status: criteria provided, single submitter. Criteria: ACMG Guidelines, 2015. Collection method: clinical testing. Allele origin: germline. Affected: yes. Observed: 2 variant alleles.

Institute of Human Genetics Munich, TUM University Hospital
Classification: Pathogenic for Neonatal encephalomyopathy-cardiomyopathy-respiratory distress syndrome. Last evaluated: 2017-10-19. Review status: criteria provided, single submitter. Criteria: Classification criteria August 2017. Collection method: clinical testing. Allele origin: paternal, inherited. Inheritance: Autosomal recessive inheritance. Affected: yes. Observed: 1 compound heterozygote, 1 homozygote.

Ambry Genetics
Classification: Likely pathogenic for Inborn genetic diseases. Last evaluated: 2014-10-15. Review status: criteria provided, single submitter. Criteria: Ambry Variant Classification Scheme 2023. Collection method: clinical testing. Allele origin: germline.
Comment: The c.469C>A (p.Q157K) alteration is located in exon 5 of the COQ4 gene. This alteration results from a C to A substitution at nucleotide position 469, causing the glutamine (Q) at amino acid position 157 to be replaced by a lysine (K). The alteration is not observed in healthy cohorts:_x000D_ Based on data from the NHLBI Exome Sequencing Project (ESP), the COQ4 c.469C>A alteration was not observed among 6,503 individuals tested (0.0%). Allele frequency data for this nucleotide position are not currently available from the 1000 Genomes Project and the alteration is not currently listed in the Database of Single Nucleotide Polymorphisms (dbSNP)._x000D_ Though some variants may appear to be rare due to database-specific ethnic underrepresentation, rare missense alleles commonly exhibit a deleterious effect on protein function (Kryukov, 2007; Tennessen, 2012). IF USED, PULL THESE INTO REFERENCES:_x000D_ Kryukov GV, et al. (2007) Am J Hum Genet 80:727-739. Tennessen JA, et al. (2012) Science 337(64):64-69. The altered amino acid is conserved throughout evolution:_x000D_ The p.Q157 amino acid is well conserved in available vertebrate species. In silico prediction is conflicting:_x000D_ The p.Q157K alteration is predicted to be possibly damaging by Polyphen and tolerated by SIFT in silico analyses. Based on the available evidence, this alteration is classified as likely pathogenic.

NM_016035.5(COQ4):c.469C>A (p.Gln157Lys)

Gene: COQ4 (coenzyme Q4; plus strand). Cytogenetic location: 9q34.11.
Variant type: single nucleotide variant.
Coding change: c.469C>A on transcript NM_016035.5 (MANE Select); coding-DNA position 469, C replaced by A.
Protein change: p.Gln157Lys; replaces glutamine 157 with lysine.
Molecular consequence: missense variant. On other transcripts: intron variant (1).
Genome position (GRCh38, 1-based): chr9:128,332,219, C>A. VCF-style: chr9-128332219-C-A. GRCh37 (hg19) VCF-style: chr9-131094498-C-A.
Other names: c.3-1255C>A (NM_001305942.2); short protein forms Q157K.
Identifiers: ClinVar variation 488488 (VCV000488488.15), dbSNP rs1045118320, ClinGen allele CA200341697.